The following is an entry in ClinVar:

NM_000238.4(KCNH2):c.1557+5G>A

Gene: KCNH2 (potassium voltage-gated channel subfamily H member 2; minus strand). Cytogenetic location: 7q36.1.
Variant type: single nucleotide variant.
Coding change: c.1557+5G>A on transcript NM_000238.4 (MANE Select); 5 bases into the intron after coding-DNA position 1557, G replaced by A.
Molecular consequence: intron variant.
Genome position (GRCh38, 1-based): chr7:150,952,420, C>T on the plus strand (G>A on the coding strand, the complement: KCNH2 is on the minus strand). VCF-style: chr7-150952420-C-T. GRCh37 (hg19) VCF-style: chr7-150649508-C-T.
Other names: c.1269+5G>A (NM_001406753.1, NM_001406756.1); c.537+5G>A (NM_172057.3, NM_001204798.2); c.1557+5G>A (NM_172056.3); c.1380+5G>A (NM_001406755.1); c.1257+5G>A (NM_001406757.1).
Identifiers: ClinVar variation 2089210 (VCV002089210.1), dbSNP rs2486045343, ClinGen allele CA2580077806.
Genomic context (GRCh38, chr7:150,952,420, plus strand): 5'-ACTACCTCCCACCACATTCCTGGCCTCTCCTCTCCCTACACCACCTGCCTCCTTGCTGAC[C>T]CCACCTCCTCAGAGCCAGAGCCGAAGATGAGCAGGTCGAAGGGGATGGCGGCCACCATGT-3'

ClinVar aggregate classification (germline): Uncertain significance (1 of 4 stars; one submission).

Conditions:
Long QT syndrome (LQTS). Identifiers: MedGen C0023976, MeSH D008133, MONDO:0002442. Disease mechanism: loss of function. Inheritance: Various modes of inheritance.

Submission:

Labcorp Genetics (formerly Invitae), Labcorp
Classification: Uncertain significance for Long QT syndrome. Last evaluated: 2022-01-23. Review status: criteria provided, single submitter. Criteria: Invitae Variant Classification Sherloc (09022015). Collection method: clinical testing. Allele origin: germline.
Comment: This sequence change falls in intron 6 of the KCNH2 gene. It does not directly change the encoded amino acid sequence of the KCNH2 protein. It affects a nucleotide within the consensus splice site. This variant is not present in population databases (gnomAD no frequency). This variant has not been reported in the literature in individuals affected with KCNH2-related conditions. Variants that disrupt the consensus splice site are a relatively common cause of aberrant splicing (PMID: 17576681, 9536098). Algorithms developed to predict the effect of sequence changes on RNA splicing suggest that this variant may disrupt the consensus splice site. In summary, the available evidence is currently insufficient to determine the role of this variant in disease. Therefore, it has been classified as a Variant of Uncertain Significance.

Literature cited by the submitters: PubMed 17576681; PubMed 9536098.